The following is an entry in ClinVar:

NM_001958.5(EEF1A2):c.289G>T (p.Asp97Tyr)

Gene: EEF1A2 (eukaryotic translation elongation factor 1 alpha 2; minus strand). Cytogenetic location: 20q13.33.
Variant type: single nucleotide variant.
Coding change: c.289G>T on transcript NM_001958.5 (MANE Select); coding-DNA position 289, G replaced by T.
Protein change: p.Asp97Tyr; replaces aspartic acid 97 with tyrosine.
Molecular consequence: missense variant.
Genome position (GRCh38, 1-based): chr20:63,495,891, C>A on the plus strand (G>T on the coding strand, the complement: EEF1A2 is on the minus strand). VCF-style: chr20-63495891-C-A. GRCh37 (hg19) VCF-style: chr20-62127244-C-A.
Other names: short protein forms D97Y.
Identifiers: ClinVar variation 4293101 (VCV004293101.1).
Genomic context (GRCh38, chr20:63,495,891, plus strand): 5'-GCCCCGCCTGCTGTGCCCTGCTCACCTGGGATGTACCCGTGATCATGTTCTTGATGAAGT[C>A]GCGGTGGCCGGGGGCATCGATGATGGTGATGTAGTACTTGGTGGTCTCGAACTTCCAGAG-3'
Protein context (NP_001949.1, residues 87-107): ITIIDAPGHR[Asp97Tyr]FIKNMITGTS

ClinVar aggregate classification (germline): Uncertain significance (1 of 4 stars; one submission).

Conditions:
Developmental and epileptic encephalopathy, 33 (DEE33). Also called: Epileptic encephalopathy, early infantile, 33. Identifiers: Orphanet 442835, MedGen C4225337, MONDO:0014625, OMIM 616409.

Submission:

3billion
Classification: Uncertain significance for Developmental and epileptic encephalopathy, 33. Last evaluated: 2024-07-09. Review status: criteria provided, single submitter. Criteria: ACMG Guidelines, 2015. Collection method: clinical testing. Allele origin: germline. Affected: yes.
Comment: The variant is not observed in the gnomAD v4.0.0 dataset. Predicted Consequence/Location: Missense changes are a common disease-causing mechanism. In silico tool predictions suggest damaging effect of the variant on gene or gene product [REVEL: 0.79 (>=0.6, sensitivity 0.68 and specificity 0.92); 3Cnet: 0.74 (>=0.6, sensitivity 0.72 and precision 0.9)]. A different missense change at the same codon (p.Asp97Asn) has been reported to be associated with EEF1A2 related disorder (ClinVar ID: VCV001470873 /PMID: 34489640). However the evidence of pathogenicity is insufficient at this time. Therefore, this variant is classified as VUS according to the recommendation of ACMG/AMP guideline.

Literature cited by the submitters: PubMed 34489640.